The following is an entry in ClinVar:

ClinVar aggregate classification (germline): Uncertain significance. Review status: criteria provided, multiple submitters, no conflicts (2 of 4 stars). 2 submissions from 2 submitters: Uncertain significance (2). Last evaluated 2025-06-02.

Conditions:
COL6A3-related disorder. Also called: COL6A3-related disorders; COL6A3-related condition.
Bethlem myopathy 1A. Also called: MYOPATHY, BENIGN CONGENITAL, WITH CONTRACTURES; Bethlem myopathy 1; Bethlem Muscular Dystrophy. Identifiers: Orphanet 610, MedGen CN029274, MONDO:0024530, OMIM 158810.

Allele frequency attached by ClinVar (database versions not stated): gnomAD exomes 0.00001; ExAC 0.00002; ESP Exome Variant Server 0.00008.
gnomAD v4.1: 15 of 1,614,072 alleles (0.00093%); highest among the groups gnomAD compares: South Asian, 0.0011%; no homozygotes.

Submissions (2):

PreventionGenetics, part of Exact Sciences
Classification: Uncertain significance for COL6A3-related condition. Last evaluated: 2025-06-02. Review status: criteria provided, single submitter. Criteria: ACMG Guidelines, 2015. Collection method: clinical testing. Allele origin: germline.
Comment: The COL6A3 c.2732G>A variant is predicted to result in the amino acid substitution p.Gly911Asp. To our knowledge, this variant has not been reported in the literature. This variant is reported in 0.0018% of alleles in individuals of European (Non-Finnish) descent in gnomAD. At this time, the clinical significance of this variant is uncertain due to the absence of conclusive functional and genetic evidence.

Labcorp Genetics (formerly Invitae), Labcorp
Classification: Uncertain significance for Bethlem myopathy 1A. Last evaluated: 2022-11-08. Review status: criteria provided, single submitter. Criteria: Invitae Variant Classification Sherloc (09022015). Collection method: clinical testing. Allele origin: germline.
Comment: ClinVar contains an entry for this variant (Variation ID: 1360477). In summary, the available evidence is currently insufficient to determine the role of this variant in disease. Therefore, it has been classified as a Variant of Uncertain Significance. Advanced modeling of protein sequence and biophysical properties (such as structural, functional, and spatial information, amino acid conservation, physicochemical variation, residue mobility, and thermodynamic stability) performed at Invitae indicates that this missense variant is expected to disrupt COL6A3 protein function. This variant has not been reported in the literature in individuals affected with COL6A3-related conditions. This variant is present in population databases (rs149310819, gnomAD 0.003%). This sequence change replaces glycine, which is neutral and non-polar, with aspartic acid, which is acidic and polar, at codon 911 of the COL6A3 protein (p.Gly911Asp).

NM_004369.4(COL6A3):c.2732G>A (p.Gly911Asp)

Gene: COL6A3 (collagen type VI alpha 3 chain; minus strand). Cytogenetic location: 2q37.3.
Variant type: single nucleotide variant.
Coding change: c.2732G>A on transcript NM_004369.4 (MANE Select); coding-DNA position 2732, G replaced by A.
Protein change: p.Gly911Asp; replaces glycine 911 with aspartic acid.
Molecular consequence: missense variant.
Genome position (GRCh38, 1-based): chr2:237,377,110, C>T on the plus strand (G>A on the coding strand, the complement: COL6A3 is on the minus strand). VCF-style: chr2-237377110-C-T. GRCh37 (hg19) VCF-style: chr2-238285753-C-T.
Other names: c.1511G>A, p.Gly504Asp (NM_057164.5); c.2114G>A, p.Gly705Asp (NM_057165.5, NM_057167.4); c.911G>A, p.Gly304Asp (NM_057166.5); c.2732G>A (NM_004369.3); short protein forms G504D, G705D, G911D, G304D.
Identifiers: ClinVar variation 1360477 (VCV001360477.7), dbSNP rs149310819, ClinGen allele CA2189335.